The following is an entry in ClinVar:

ClinVar aggregate classification (germline): Likely benign. Review status: criteria provided, single submitter (1 of 4 stars). 2 submissions from 2 submitters: Likely benign (1). 1 of the submissions does not count toward it. Last evaluated 2025-03-17.

Conditions:
DHCR24-related disorder. Also called: DHCR24-related condition.

Allele frequency attached by ClinVar (database versions not stated): ExAC 0.00002; TOPMed 0.00012.

Submissions (2):

Labcorp Genetics (formerly Invitae), Labcorp
Classification: Likely benign. Last evaluated: 2025-03-17. Review status: criteria provided, single submitter. Criteria: Invitae Variant Classification Sherloc (09022015). Collection method: clinical testing. Allele origin: germline.

PreventionGenetics, part of Exact Sciences
Classification: Likely benign for DHCR24-related condition. Last evaluated: 2019-02-25. Review status: no assertion criteria provided. Collection method: clinical testing. Allele origin: germline. Not counted in ClinVar's aggregate classification.
Comment: This variant is classified as likely benign based on ACMG/AMP sequence variant interpretation guidelines (Richards et al. 2015 PMID: 25741868, with internal and published modifications).

NM_014762.4(DHCR24):c.906G>A (p.Pro302=)

Gene: DHCR24 (24-dehydrocholesterol reductase; minus strand). Cytogenetic location: 1p32.3.
Variant type: single nucleotide variant.
Coding change: c.906G>A on transcript NM_014762.4 (MANE Select); coding-DNA position 906, G replaced by A.
Protein change: p.Pro302=; no amino-acid change (proline 302 retained).
Molecular consequence: synonymous variant.
Genome position (GRCh38, 1-based): chr1:54,865,417, C>T on the plus strand (G>A on the coding strand, the complement: DHCR24 is on the minus strand). VCF-style: chr1-54865417-C-T. GRCh37 (hg19) VCF-style: chr1-55331090-C-T.
Other names: c.906G>A (NM_014762.3).
Identifiers: ClinVar variation 2184959 (VCV002184959.6), dbSNP rs777255081, ClinGen allele CA870695.